The following is an entry in ClinVar:

ClinVar aggregate classification (germline): Uncertain significance (1 of 4 stars; one submission).

Conditions:
Familial intrahepatic cholestasis. Identifiers: Orphanet 284385, MedGen CN296401, MONDO:0017290.

Submission:

Genomenon, Inc
Classification: Uncertain significance for Familial intrahepatic cholestasis. Last evaluated: 2026-04-14. Review status: criteria provided, single submitter. Criteria: Genomenon Sequence Variant Interpretation Standards - Updated. Collection method: curation. Allele origin: germline. Affected: yes.
Comment: ABCB4 p.Leu218Arg (c.653T>G) is a missense variant that changes the amino acid at residue 218 from Leucine to Arginine. This variant has been observed in at least one proband with an ABCB4-related disorder (PMID:31538484). It is absent or not present at a significant frequency in gnomAD. In silico models predict that this variant is possibly or probably damaging. In conclusion, we classify ABCB4 p.Leu218Arg (c.653T>G) as a variant of uncertain significance.

Literature cited by the submitters: PubMed 31538484.

NM_000443.4(ABCB4):c.653T>G (p.Leu218Arg)

Gene: ABCB4 (ATP binding cassette subfamily B member 4; minus strand). Cytogenetic location: 7q21.12.
Variant type: single nucleotide variant.
Coding change: c.653T>G on transcript NM_000443.4 (MANE Select); coding-DNA position 653, T replaced by G.
Protein change: p.Leu218Arg; replaces leucine 218 with arginine.
Molecular consequence: missense variant.
Genome position (GRCh38, 1-based): chr7:87,451,678, A>C on the plus strand (T>G on the coding strand, the complement: ABCB4 is on the minus strand). VCF-style: chr7-87451678-A-C. GRCh37 (hg19) VCF-style: chr7-87080994-A-C.
Other names: c.653T>G, p.Leu218Arg (NM_018849.3, NM_018850.3); short protein forms L218R.
Identifiers: ClinVar variation 4846531 (VCV004846531.1).